The following is an entry in ClinVar:

NM_001365536.1(SCN9A):c.684C>G (p.Ile228Met)

Gene: SCN9A (sodium voltage-gated channel alpha subunit 9; minus strand). Cytogenetic location: 2q24.3.
Variant type: single nucleotide variant.
Coding change: c.684C>G on transcript NM_001365536.1 (MANE Select); coding-DNA position 684, C replaced by G.
Protein change: p.Ile228Met; replaces isoleucine 228 with methionine.
Molecular consequence: missense variant.
Genome position (GRCh38, 1-based): chr2:166,304,242, G>C on the plus strand (C>G on the coding strand, the complement: SCN9A is on the minus strand). VCF-style: chr2-166304242-G-C. GRCh37 (hg19) VCF-style: chr2-167160752-G-C.
Other names: c.684C>G, p.Ile228Met (NM_002977.4); short protein forms I228M.
Identifiers: ClinVar variation 198153 (VCV000198153.86), dbSNP rs71428908, ClinGen allele CA206037.
Genomic context (GRCh38, chr2:166,304,242, plus strand): 5'-CTCCCAAATAGTTGGAGTTATGAGTGGCCTAATGCTTCACACCAATTACTTCTTACCTGG[G>C]ATTACAGAAATAGTTTTCAAAGCTCTCAATACTCTGAAAGTTCGAAGAGCTGAAACATTG-3'
Protein context (NP_001352465.1, residues 218-238): VLRALKTISV[Ile228Met]PGLKTIVGAL

ClinVar aggregate classification (germline): Conflicting classifications of pathogenicity. Review status: criteria provided, conflicting classifications (1 of 4 stars). 21 submissions from 18 submitters: Uncertain significance (19); Benign (2). Last evaluated 2026-06-26.

Conditions:
Severe myoclonic epilepsy in infancy (DRVT). Also called: Dravet syndrome; Epileptic encephalopathy, early infantile, 6 (Dravet syndrome); SEVERE MYOCLONIC EPILEPSY OF INFANCY; DEVELOPMENTAL AND EPILEPTIC ENCEPHALOPATHY 6A; Severe Myoclonic Epilepsy in Infancy (SMEI). Identifiers: Orphanet 33069, MedGen C0751122, MONDO:0100135, OMIM 607208.
Generalized epilepsy with febrile seizures plus, type 7 (GEFSP7). Also called: GEFS+, TYPE 7. Identifiers: Orphanet 36387, MedGen C2751778, MONDO:0013470, OMIM 613863.
Primary erythromelalgia. Also called: primary erythermalgia; SCN9A Erythromelalgia (SCN9A-EM). Identifiers: Orphanet 306577, Orphanet 90026, MedGen C0014805, MONDO:0007571, OMIM 133020.
Channelopathy-associated congenital insensitivity to pain, autosomal recessive. Also called: Insensitivity to pain, channelopathy-associated; ASYMBOLIA FOR PAIN; CONGENITAL ANALGESIA, AUTOSOMAL RECESSIVE. Identifiers: Orphanet 88642, Orphanet 970, MedGen C1855739, MONDO:0009459, OMIM 243000.
Neuropathy, hereditary sensory and autonomic, type 2A (HSAN2A). Also called: ACROOSTEOLYSIS, GIACCAI TYPE; ACROOSTEOLYSIS, NEUROGENIC; MORVAN DISEASE; NEUROPATHY, CONGENITAL SENSORY; NEUROPATHY, HEREDITARY SENSORY RADICULAR, AUTOSOMAL RECESSIVE; NEUROPATHY, HEREDITARY SENSORY, TYPE IIA. Identifiers: Orphanet 970, MedGen C2752089, MONDO:0024309, OMIM 201300.
Paroxysmal extreme pain disorder (PEXPD). Also called: PAIN, SUBMANDIBULAR, OCULAR, AND RECTAL, WITH FLUSHING; RECTAL PAIN, FAMILIAL; SCN9A Paroxysmal Extreme Pain Disorder (SCN9A-PEPD). Identifiers: Orphanet 46348, MedGen C1833661, MONDO:0008179, OMIM 167400.
SCN9A-related disorder. Also called: SCN9A-related condition; SCN9A-related disorders.
Inborn genetic diseases. Identifiers: MedGen C0950123, MeSH D030342.

Allele frequency attached by ClinVar (database versions not stated): 1000 Genomes Project 30x 0.00016; 1000 Genomes Project 0.00020; gnomAD 0.00078 and 0.00081; TOPMed 0.00078; gnomAD exomes 0.00089 and 0.00125; ExAC 0.00098; ESP Exome Variant Server 0.00115.
gnomAD v4.1: 1,909 of 1,613,092 alleles (0.12%); highest among the groups gnomAD compares: Non-Finnish European, 0.15%; 1 homozygote.

Submissions 1 to 6 of 21:

PreventionGenetics, part of Exact Sciences
Classification: Uncertain significance for SCN9A-related condition. Last evaluated: 2026-06-26. Review status: criteria provided, single submitter. Criteria: ACMG Guidelines, 2015. Collection method: clinical testing. Allele origin: germline.
Comment: The SCN9A c.684C>G variant is predicted to result in the amino acid substitution p.Ile228Met. This variant has been reported in the heterozygous state, along with a pathogenic SCN1A variant, in an individual with Dravet syndrome (Singh et al. 2009. PubMed ID: 19763161). The authors postulated that the SCN9A p.Ile228Met variant may be a genetic modifier, causing digenic epilepsy. This variant has also been reported in individuals with small fiber neuropathy (Estacion et al. 2011. PubMed ID: 22136189; Faber. 2012. PubMed ID: 21698661; Misra et al. 2024. PubMed ID: 39000354; Skystad Kvernebo et al. 2025. PubMed ID: 39850993). Functional studies indicated that it causes gain of channel function (Estacion. 2011. PubMed ID: 22136189; Faber et al. 2012. PubMed ID: 21698661) and compromises the integrity of axons in cultured dorsal root ganglion cells (Persson et al. 2013. PubMed ID: 23280954). This cellular observation was supported in a zebrafish overexpression model (Eijkenboom et al. 2018. PubMed ID: 30316835). Further functional studies show the p.Ile228Met variant in aging mice develop insensitivity to extreme heat and cold, as well as expansive skin lesions (Wimalasena et al. 2023. PubMed ID: 37003485). Importantly, this variant is reported in 0.16% of alleles in individuals of European (non-Finnish) descent in gnomAD, which is an allele frequency higher than expected for a dominant disease. At this time, the clinical significance of this variant is uncertain due to the absence of conclusive functional and genetic evidence.

CeGaT Center for Human Genetics Tuebingen
Classification: Uncertain significance. Last evaluated: 2026-03-01. Review status: criteria provided, single submitter. Criteria: CeGaT Center For Human Genetics Tuebingen Variant Classification Criteria Version 2. Collection method: clinical testing. Allele origin: germline. Affected: yes. Observed: 4 variant alleles.
Comment: SCN9A: PM2:Supporting, PP3

Labcorp Genetics (formerly Invitae), Labcorp
Classification: Uncertain significance for Neuropathy, hereditary sensory and autonomic, type 2A; Generalized epilepsy with febrile seizures plus, type 7. Last evaluated: 2026-02-02. Review status: criteria provided, single submitter. Criteria: Invitae Variant Classification Sherloc (09022015). Collection method: clinical testing. Allele origin: germline.
Comment: This sequence change replaces isoleucine, which is neutral and non-polar, with methionine, which is neutral and non-polar, at codon 228 of the SCN9A protein (p.Ile228Met). This variant is present in population databases (rs71428908, gnomAD 0.2%), and has an allele count higher than expected for a pathogenic variant. This missense change has been observed in individual(s) with small fiber neuropathy and primary erythromelalgia (PMID: 22136189, 25993546, 29911575, 39000354). ClinVar contains an entry for this variant (Variation ID: 198153). Invitae Evidence Modeling of protein sequence and biophysical properties (such as structural, functional, and spatial information, amino acid conservation, physicochemical variation, residue mobility, and thermodynamic stability) indicates that this missense variant is not expected to disrupt SCN9A protein function with a negative predictive value of 80%. Experimental studies have shown that this missense change affects SCN9A function (PMID: 22136189, 23280954, 30316835, 37003485). In summary, the available evidence is currently insufficient to determine the role of this variant in disease. Therefore, it has been classified as a Variant of Uncertain Significance.

Women's Health and Genetics/Laboratory Corporation of America, LabCorp
Classification: Uncertain significance. Last evaluated: 2024-12-26. Review status: criteria provided, single submitter. Criteria: LabCorp Variant Classification Summary - May 2015. Collection method: clinical testing. Allele origin: germline.
Comment: Variant summary: SCN9A c.684C>G (p.Ile228Met) results in a conservative amino acid change located in the Ion transport domain (IPR005821) of the encoded protein sequence. Three of five in-silico tools predict a damaging effect of the variant on protein function. The variant allele was found at a frequency of 0.00089 in 249660 control chromosomes, predominantly at a frequency of 0.0017 within the Non-Finnish European subpopulation in the gnomAD database. The observed variant frequency within Non-Finnish European control individuals in the gnomAD database is approximately 1.52 fold of the estimated maximal expected allele frequency for a pathogenic variant in SCN9A causing Channelopathy-Associated Congenital Insensitivity To Pain, Autosomal Recessive phenotype (0.0011), strongly suggesting that the variant is a benign polymorphism found primarily in populations of Non-Finnish European origin. c.684C>G has been reported in the literature in multiple individuals affected with small nerve fiber neuropathy, Pain syndrome, erythromelalgia (Faber_2012, Estacion_2011, Namer_2015, Misra_2024). These reports do not provide unequivocal conclusions about association of the variant with Channelopathy-Associated Congenital Insensitivity To Pain, Autosomal Recessive. Co-occurrences with other pathogenic variant(s) have been reported in one patient with Dravet syndrome (SCN1A c.2944G>C, p.V982L), providing supporting evidence for a benign role (Singh_2009).Mulitple publications report experimental evidence evaluating an impact on protein function. The most pronounced variant effect results in DRG neuron hyperexcitability and minimal phenotypes in young I228M knockin mice, and loss-of-function changes in DRG including loss of sodium conductance, changes in activation and slow inactivation dynamics in aged I228M knockin mice, further, it was only in aged knockin mice that a profound insensitivity to noxious heat and cold, as well skin lesions that span the body are identified (Wimalasena_2023, Faber_2012). The following publications have been ascertained in the context of this evaluation (PMID: 22136189, 21698661, 39000354, 25993546, 19763161, 37003485). ClinVar contains an entry for this variant (Variation ID: 198153). Based on the evidence outlined above, the variant was classified as uncertain significance.

GeneDx
Classification: Uncertain significance. Last evaluated: 2024-12-05. Review status: criteria provided, single submitter. Criteria: GeneDx Variant Classification Process June 2021. Collection method: clinical testing. Allele origin: germline. Affected: yes.
Comment: Reported in the heterozygous state in a patient with biopsy-confirmed small fiber neuropathy (PMID: 21698661); Reported as a modifier for Dravet syndrome when observed in the heterozygous state along with a heterozygous pathogenic variant in a gene known to cause epilepsy, SCN1A; however, I228M was also identified in unaffected controls (PMID: 19763161); Published functional studies demonstrate a damaging effect in Zebrafish embryos over-expressing I228M, including decreased density of the small nerve fibers and increased activity induced by temperature change (PMID: 30316835); Published functional studies demonstrate a gain-of-function effect which alters the channel function (PMID: 22136189, 21698661); In vitro studies show I228M impairs the regeneration and/or degeneration of dorsal root ganglion neuron axons (PMID: 23280954); In silico analysis supports that this missense variant has a deleterious effect on protein structure/function; This variant is associated with the following publications: (PMID: 33892629, 31851560, 33323889, 29911575, 34426522, 22136189, 25993546, 26264438, 26949748, 2558527, 20440589, 37003485, 37175987, 21698661, 19763161, 30316835, 23280954, 39000354)

Blueprint Genetics
Classification: Uncertain significance. Last evaluated: 2024-11-08. Review status: criteria provided, single submitter. Criteria: ACMG Guidelines, 2015. Collection method: clinical testing. Allele origin: germline.